The following is an entry in ClinVar:

ClinVar aggregate classification (germline): Conflicting classifications of pathogenicity. Review status: criteria provided, conflicting classifications (1 of 4 stars). 8 submissions from 8 submitters: Uncertain significance (5); Benign (1). 2 of the submissions do not count toward it. Last evaluated 2025-05-19.

Conditions:
Refsum disease, classic. Also called: PHYH-Related Refsum Disease; HEREDOPATHIA ATACTICA POLYNEURITIFORMIS; HMSN IV; PHYTANIC ACID OXIDASE DEFICIENCY. Identifiers: Orphanet 773, MedGen C5780941, MONDO:1060256, OMIM 266500. Disease mechanism: loss of function.
Intellectual disability. Also called: Intellectual developmental disorder; intellectual disabilities; Intellectual functioning disability. Identifiers: MedGen C3714756, MeSH D008607, MONDO:0001071, HP:0001249.
Inborn genetic diseases. Identifiers: MedGen C0950123, MeSH D030342.

Allele frequency attached by ClinVar (database versions not stated): TOPMed 0.00007; 1000 Genomes Project 30x 0.00016; 1000 Genomes Project 0.00020.
gnomAD v4.1: 95 of 1,613,602 alleles (0.0059%); highest among the groups gnomAD compares: Middle Eastern, 0.033%; no homozygotes.

Submissions (8):

Ambry Genetics
Classification: Uncertain significance for Inborn genetic diseases. Last evaluated: 2025-05-19. Review status: criteria provided, single submitter. Criteria: Ambry Variant Classification Scheme 2023. Collection method: clinical testing. Allele origin: germline.

Mayo Clinic Laboratories, Mayo Clinic
Classification: Uncertain significance. Last evaluated: 2025-04-01. Review status: criteria provided, single submitter. Criteria: ACMG Guidelines, 2015. Collection method: clinical testing. Allele origin: germline. Observed: 1 variant allele.
Comment: PP3_moderate

Labcorp Genetics (formerly Invitae), Labcorp
Classification: Uncertain significance. Last evaluated: 2024-12-20. Review status: criteria provided, single submitter. Criteria: Invitae Variant Classification Sherloc (09022015). Collection method: clinical testing. Allele origin: germline.
Comment: This sequence change replaces glycine, which is neutral and non-polar, with tryptophan, which is neutral and slightly polar, at codon 227 of the PHYH protein (p.Gly227Trp). This variant is present in population databases (rs201936962, gnomAD 0.01%). This variant has not been reported in the literature in individuals affected with PHYH-related conditions. ClinVar contains an entry for this variant (Variation ID: 879441). An algorithm developed to predict the effect of missense changes on protein structure and function (PolyPhen-2) suggests that this variant is likely to be disruptive. In summary, the available evidence is currently insufficient to determine the role of this variant in disease. Therefore, it has been classified as a Variant of Uncertain Significance.

Blueprint Genetics
Classification: Uncertain significance. Last evaluated: 2024-08-02. Review status: criteria provided, single submitter. Criteria: ACMG Guidelines, 2015. Collection method: clinical testing. Allele origin: germline.

Cambridge Genomics Laboratory, East Genomic Laboratory Hub, NHS Genomic Medicine Service
Classification: Benign for Intellectual disability. Last evaluated: 2019-10-17. Review status: criteria provided, single submitter. Criteria: ACGS Best Practice Guidelines for Variant Classification in Rare Disease 2020. Collection method: clinical testing. Allele origin: germline. Affected: yes. Observed: 1 variant allele.

Illumina Laboratory Services, Illumina
Classification: Uncertain significance for Refsum disease, classic. Last evaluated: 2018-01-12. Review status: criteria provided, single submitter. Criteria: ICSL Variant Classification Criteria 13 December 2019. Collection method: clinical testing. Allele origin: germline.

Clinical Genetics DNA and cytogenetics Diagnostics Lab, Erasmus MC, Erasmus Medical Center
Classification: Uncertain significance. Review status: no assertion criteria provided. Collection method: clinical testing. Allele origin: germline. Affected: yes. Study: VKGL Data-share Consensus. Not counted in ClinVar's aggregate classification.

Clinical Genetics, Academic Medical Center
Classification: Uncertain significance. Review status: no assertion criteria provided. Collection method: clinical testing. Allele origin: germline. Affected: yes. Study: VKGL Data-share Consensus. Not counted in ClinVar's aggregate classification.

NM_006214.4(PHYH):c.679G>T (p.Gly227Trp)

Gene: PHYH (phytanoyl-CoA 2-hydroxylase; minus strand). Cytogenetic location: 10p13.
Variant type: single nucleotide variant.
Coding change: c.679G>T on transcript NM_006214.4 (MANE Select); coding-DNA position 679, G replaced by T.
Protein change: p.Gly227Trp; replaces glycine 227 with tryptophan.
Molecular consequence: missense variant.
Genome position (GRCh38, 1-based): chr10:13,283,839, C>A on the plus strand (G>T on the coding strand, the complement: PHYH is on the minus strand). VCF-style: chr10-13283839-C-A. GRCh37 (hg19) VCF-style: chr10-13325839-C-A.
Other names: p.Gly227Trp; c.379G>T, p.Gly127Trp (NM_001037537.2, NM_001323080.2); c.685G>T, p.Gly229Trp (NM_001323082.2); c.415G>T, p.Gly139Trp (NM_001323083.2); c.385G>T, p.Gly129Trp (NM_001323084.2); short protein forms G139W, G229W, G129W, G227W, G127W.
Identifiers: ClinVar variation 879441 (VCV000879441.16), dbSNP rs201936962, ClinGen allele CA5412260.